The following is an entry in ClinVar:

NM_012154.5(AGO2):c.2388C>T (p.Ser796=)

Gene: AGO2 (argonaute RISC catalytic component 2; minus strand). Cytogenetic location: 8q24.3.
Variant type: single nucleotide variant.
Coding change: c.2388C>T on transcript NM_012154.5 (MANE Select); coding-DNA position 2388, C replaced by T.
Protein change: p.Ser796=; no amino-acid change (serine 796 retained).
Molecular consequence: synonymous variant.
Genome position (GRCh38, 1-based): chr8:140,532,499, G>A on the plus strand (C>T on the coding strand, the complement: AGO2 is on the minus strand). VCF-style: chr8-140532499-G-A. GRCh37 (hg19) VCF-style: chr8-141542598-G-A.
Other names: c.2286C>T, p.Ser762= (NM_001164623.3).
Identifiers: ClinVar variation 3026213 (VCV003026213.22), dbSNP rs372883732, ClinGen allele CA4894125.

ClinVar aggregate classification (germline): Likely benign (1 of 4 stars; one submission).

Allele frequency attached by ClinVar (database versions not stated): ExAC 0.00002; gnomAD 0.00002; ESP Exome Variant Server 0.00008.
gnomAD v4.1: 47 of 1,614,172 alleles (0.0029%); highest among the groups gnomAD compares: Non-Finnish European, 0.0036%; no homozygotes.

Submission:

CeGaT Center for Human Genetics Tuebingen
Classification: Likely benign. Last evaluated: 2023-12-01. Review status: criteria provided, single submitter. Criteria: CeGaT Center For Human Genetics Tuebingen Variant Classification Criteria Version 2. Collection method: clinical testing. Allele origin: germline. Affected: yes. Observed: 1 variant allele.
Comment: AGO2: BP4, BP7